The following is an entry in ClinVar:

ClinVar aggregate classification (germline): Uncertain significance (1 of 4 stars; one submission).

Submission:

Labcorp Genetics (formerly Invitae), Labcorp
Classification: Uncertain significance. Last evaluated: 2023-05-05. Review status: criteria provided, single submitter. Criteria: Invitae Variant Classification Sherloc (09022015). Collection method: clinical testing. Allele origin: germline.
Comment: This variant has not been reported in the literature in individuals affected with POLE-related conditions. This variant is not present in population databases (gnomAD no frequency). This sequence change replaces aspartic acid, which is acidic and polar, with asparagine, which is neutral and polar, at codon 275 of the POLE protein (p.Asp275Asn). ClinVar contains an entry for this variant (Variation ID: 840294). Advanced modeling of protein sequence and biophysical properties (such as structural, functional, and spatial information, amino acid conservation, physicochemical variation, residue mobility, and thermodynamic stability) performed at Invitae indicates that this missense variant is expected to disrupt POLE protein function. In summary, the available evidence is currently insufficient to determine the role of this variant in disease. Therefore, it has been classified as a Variant of Uncertain Significance.

NM_006231.4(POLE):c.823G>A (p.Asp275Asn)

Gene: POLE (DNA polymerase epsilon, catalytic subunit; minus strand). Cytogenetic location: 12q24.33.
Variant type: single nucleotide variant.
Coding change: c.823G>A on transcript NM_006231.4 (MANE Select); coding-DNA position 823, G replaced by A.
Protein change: p.Asp275Asn; replaces aspartic acid 275 with asparagine.
Molecular consequence: missense variant.
Genome position (GRCh38, 1-based): chr12:132,676,632, C>T on the plus strand (G>A on the coding strand, the complement: POLE is on the minus strand). VCF-style: chr12-132676632-C-T. GRCh37 (hg19) VCF-style: chr12-133253218-C-T.
Other names: short protein forms D275N.
Identifiers: ClinVar variation 840294 (VCV000840294.9), dbSNP rs879254218, ClinGen allele CA387364344.